The following is an entry in ClinVar:

ClinVar aggregate classification (germline): Likely benign. Review status: criteria provided, multiple submitters, no conflicts (2 of 4 stars). 6 submissions from 6 submitters: Likely benign (6). Last evaluated 2025-07-19.

Conditions:
Hereditary cancer-predisposing syndrome. Also called: Tumor predisposition; Hereditary neoplastic syndrome; Neoplastic Syndromes, Hereditary; Hereditary Cancer Syndrome. Identifiers: Orphanet 140162, MedGen C0027672, MeSH D009386, MONDO:0015356.
Hereditary breast ovarian cancer syndrome. Also called: Hereditary breast and/or ovarian cancer syndrome; Hereditary breast and ovarian cancer syndrome; Hereditary breast and ovarian cancer syndrome (HBOC); Hereditary breast and ovarian cancer; BRCA1- and BRCA2-Associated Hereditary Breast and Ovarian Cancer; Breast and ovarian cancer. Identifiers: Orphanet 145, MedGen C0677776, MeSH D061325, MONDO:0003582. Disease mechanism: loss of function.

Allele frequency attached by ClinVar (database versions not stated): gnomAD exomes below 0.00001; TOPMed below 0.00001.
gnomAD v4.1: 4 of 1,607,500 alleles (0.00025%); highest among the groups gnomAD compares: Non-Finnish European, 0.00025%; no homozygotes.

Submissions (6):

Labcorp Genetics (formerly Invitae), Labcorp
Classification: Likely benign for Hereditary breast ovarian cancer syndrome. Last evaluated: 2025-07-19. Review status: criteria provided, single submitter. Criteria: Invitae Variant Classification Sherloc (09022015). Collection method: clinical testing. Allele origin: germline.

Women's Health and Genetics/Laboratory Corporation of America, LabCorp
Classification: Likely benign. Last evaluated: 2025-01-16. Review status: criteria provided, single submitter. Criteria: LabCorp Variant Classification Summary - May 2015. Collection method: clinical testing. Allele origin: germline.

Quest Diagnostics Nichols Institute San Juan Capistrano
Classification: Likely benign. Last evaluated: 2023-06-06. Review status: criteria provided, single submitter. Criteria: Quest Diagnostics criteria. Collection method: clinical testing. Allele origin: unknown.

Ambry Genetics
Classification: Likely benign for Hereditary cancer-predisposing syndrome. Last evaluated: 2018-02-09. Review status: criteria provided, single submitter. Criteria: Ambry Variant Classification Scheme 2023. Collection method: clinical testing. Allele origin: germline.

Color Diagnostics, LLC DBA Color Health
Classification: Likely benign for Hereditary cancer-predisposing syndrome. Last evaluated: 2017-08-09. Review status: criteria provided, single submitter. Criteria: ACMG Guidelines, 2015. Collection method: clinical testing. Allele origin: germline.

GeneDx
Classification: Likely benign. Last evaluated: 2015-10-20. Review status: criteria provided, single submitter. Criteria: GeneDx Variant Classification (06012015). Collection method: clinical testing. Allele origin: germline. Affected: yes.
Comment: This variant is considered likely benign or benign based on one or more of the following criteria: it is a conservative change, it occurs at a poorly conserved position in the protein, it is predicted to be benign by multiple in silico algorithms, and/or has population frequency not consistent with disease.

NM_000059.4(BRCA2):c.4926T>C (p.Asn1642=)

Gene: BRCA2 (BRCA2 DNA repair associated; plus strand). Cytogenetic location: 13q13.1.
Variant type: single nucleotide variant.
Coding change: c.4926T>C on transcript NM_000059.4 (MANE Select); coding-DNA position 4926, T replaced by C.
Protein change: p.Asn1642=; no amino-acid change (asparagine 1642 retained).
Molecular consequence: synonymous variant.
Genome position (GRCh38, 1-based): chr13:32,339,281, T>C. VCF-style: chr13-32339281-T-C. GRCh37 (hg19) VCF-style: chr13-32913418-T-C.
Identifiers: ClinVar variation 380540 (VCV000380540.21), dbSNP rs1057520859, ClinGen allele CA16606684.